The following is an entry in ClinVar:

ClinVar aggregate classification (germline): Uncertain significance (1 of 4 stars; one submission).

Submission:

GeneDx
Classification: Uncertain significance. Last evaluated: 2024-09-18. Review status: criteria provided, single submitter. Criteria: GeneDx Variant Classification Process June 2021. Collection method: clinical testing. Allele origin: germline. Affected: yes.
Comment: Not observed at significant frequency in large population cohorts (gnomAD); In silico analysis indicates that this missense variant does not alter protein structure/function; Has not been previously published as pathogenic or benign to our knowledge

NM_001923.5(DDB1):c.2201G>C (p.Gly734Ala)

Gene: DDB1 (damage specific DNA binding protein 1; minus strand). Cytogenetic location: 11q12.2.
Variant type: single nucleotide variant.
Coding change: c.2201G>C on transcript NM_001923.5 (MANE Select); coding-DNA position 2201, G replaced by C.
Protein change: p.Gly734Ala; replaces glycine 734 with alanine.
Molecular consequence: missense variant.
Genome position (GRCh38, 1-based): chr11:61,311,860, C>G on the plus strand (G>C on the coding strand, the complement: DDB1 is on the minus strand). VCF-style: chr11-61311860-C-G. GRCh37 (hg19) VCF-style: chr11-61079332-C-G.
Other names: short protein forms G734A.
Identifiers: ClinVar variation 3774193 (VCV003774193.1).